The following is an entry in ClinVar:

NM_001267550.2(TTN):c.44323G>C (p.Val14775Leu)

Gene: TTN (titin; minus strand). Cytogenetic location: 2q31.2.
Variant type: single nucleotide variant.
Coding change: c.44323G>C on transcript NM_001267550.2 (MANE Select); coding-DNA position 44323, G replaced by C.
Protein change: p.Val14775Leu; replaces valine 14775 with leucine.
Molecular consequence: missense variant.
Genome position (GRCh38, 1-based): chr2:178,629,402, C>G on the plus strand (G>C on the coding strand, the complement: TTN is on the minus strand). VCF-style: chr2-178629402-C-G. GRCh37 (hg19) VCF-style: chr2-179494129-C-G.
Other names: c.39400G>C, p.Val13134Leu (NM_001256850.1); c.17128G>C, p.Val5710Leu (NM_003319.4); c.36619G>C, p.Val12207Leu (NM_133378.4); c.17503G>C, p.Val5835Leu (NM_133432.3); c.17704G>C, p.Val5902Leu (NM_133437.4); short protein forms V5902L, V12207L, V13134L, V5710L, V5835L, V14775L.
Identifiers: ClinVar variation 668317 (VCV000668317.2), dbSNP rs540115992, ClinGen allele CA1995676.
Genomic context (GRCh38, chr2:178,629,402, plus strand): 5'-CCACTGGGATATCTTCGTAGGAGAGCTCGCAGTCGAAGGTGGCTGTTTCCCCTGCAGTCA[C>G]GGTGACATCCTTTAAAGGCCTCAGAAGACCAATTACTCGTGCTTTTCGAGAGGGAAGAAA-3'
Protein context (NP_001254479.2, residues 14765-14785): GLLRPLKDVT[Val14775Leu]TAGETATFDC

ClinVar aggregate classification (germline): Conflicting classifications of pathogenicity. Review status: criteria provided, conflicting classifications (1 of 4 stars). 2 submissions from 2 submitters: Uncertain significance (1); Likely benign (1). Last evaluated 2023-11-14.

Allele frequency attached by ClinVar (database versions not stated): TOPMed 0.00002.
gnomAD v4.1: 11 of 1,612,850 alleles (0.00068%); highest among the groups gnomAD compares: Admixed American, 0.018%; no homozygotes.

Submissions (2):

Revvity Omics, Revvity
Classification: Uncertain significance. Last evaluated: 2023-11-14. Review status: criteria provided, single submitter. Criteria: ACMG Guidelines, 2015. Collection method: clinical testing. Allele origin: germline.

GeneDx
Classification: Likely benign. Last evaluated: 2018-05-16. Review status: criteria provided, single submitter. Criteria: GeneDx Variant Classification (06012015). Collection method: clinical testing. Allele origin: germline. Affected: yes.
Comment: This variant is considered likely benign or benign based on one or more of the following criteria: it is a conservative change, it occurs at a poorly conserved position in the protein, it is predicted to be benign by multiple in silico algorithms, and/or has population frequency not consistent with disease.